The following is an entry in ClinVar:

NM_006918.5(SC5D):c.68del (p.Pro23fs)

Gene: SC5D (sterol-C5-desaturase; plus strand). Cytogenetic location: 11q24.1.
Variant type: Deletion.
Coding change: c.68del on transcript NM_006918.5 (MANE Select); coding-DNA position 68, one base deleted (C; older notation c.68delC).
Protein change: p.Pro23fs; shifts the reading frame from proline 23.
Molecular consequence: frameshift variant.
Genome position (GRCh38, 1-based): chr11:121,303,443, C deleted; the last of 2 consecutive C bases (chr11:121,303,442-121,303,443); deleting either gives the same sequence. VCF-style (leftmost placement, unchanged base first): chr11-121303441-GC-G. GRCh37 (hg19) VCF-style: chr11-121174150-GC-G.
Other names: c.68del, p.Pro23fs (NM_001024956.3); short protein forms P23fs.
Identifiers: ClinVar variation 2811606 (VCV002811606.3), dbSNP rs2497111722, ClinGen allele CA2739271780.

ClinVar aggregate classification (germline): Uncertain significance (1 of 4 stars; one submission).

Submission:

Labcorp Genetics (formerly Invitae), Labcorp
Classification: Uncertain significance. Last evaluated: 2024-10-07. Review status: criteria provided, single submitter. Criteria: Invitae Variant Classification Sherloc (09022015). Collection method: clinical testing. Allele origin: germline.
Comment: This sequence change creates a premature translational stop signal (p.Pro23Glnfs*13) in the SC5D gene. It is expected to result in an absent or disrupted protein product. However, the current clinical and genetic evidence is not sufficient to establish whether loss-of-function variants in SC5D cause disease. This variant is not present in population databases (gnomAD no frequency). This variant has not been reported in the literature in individuals affected with SC5D-related conditions. In summary, the available evidence is currently insufficient to determine the role of this variant in disease. Therefore, it has been classified as a Variant of Uncertain Significance.